The following is an entry in ClinVar:

NM_001080414.4(CCDC88C):c.2485C>T (p.Gln829Ter)

Gene: CCDC88C (coiled-coil and HOOK domain protein 88C; minus strand). Cytogenetic location: 14q32.11.
Variant type: single nucleotide variant.
Coding change: c.2485C>T on transcript NM_001080414.4 (MANE Select); coding-DNA position 2485, C replaced by T.
Protein change: p.Gln829Ter; replaces glutamine 829 with a stop codon.
Molecular consequence: nonsense.
Genome position (GRCh38, 1-based): chr14:91,313,331, G>A on the plus strand (C>T on the coding strand, the complement: CCDC88C is on the minus strand). VCF-style: chr14-91313331-G-A. GRCh37 (hg19) VCF-style: chr14-91779675-G-A.
Other names: short protein forms Q829*.
Identifiers: ClinVar variation 2841530 (VCV002841530.3), dbSNP rs2544389056, ClinGen allele CA390629950.

ClinVar aggregate classification (germline): Pathogenic (1 of 4 stars; one submission).

Submission:

Labcorp Genetics (formerly Invitae), Labcorp
Classification: Pathogenic. Last evaluated: 2023-03-01. Review status: criteria provided, single submitter. Criteria: Invitae Variant Classification Sherloc (09022015). Collection method: clinical testing. Allele origin: germline.
Comment: For these reasons, this variant has been classified as Pathogenic. This variant has not been reported in the literature in individuals affected with CCDC88C-related conditions. This variant is not present in population databases (gnomAD no frequency). This sequence change creates a premature translational stop signal (p.Gln829*) in the CCDC88C gene. It is expected to result in an absent or disrupted protein product. Loss-of-function variants in CCDC88C are known to be pathogenic (PMID: 23042809, 29225145).

Literature cited by the submitters: PubMed 23042809; PubMed 29225145.